The following is an entry in ClinVar:

NM_004453.4(ETFDH):c.1831G>C (p.Gly611Arg)

Gene: ETFDH (electron transfer flavoprotein dehydrogenase; plus strand). Cytogenetic location: 4q32.1.
Variant type: single nucleotide variant.
Coding change: c.1831G>C on transcript NM_004453.4 (MANE Select); coding-DNA position 1831, G replaced by C.
Protein change: p.Gly611Arg; replaces glycine 611 with arginine.
Molecular consequence: missense variant.
Genome position (GRCh38, 1-based): chr4:158,708,504, G>C. VCF-style: chr4-158708504-G-C. GRCh37 (hg19) VCF-style: chr4-159629656-G-C.
Other names: c.1690G>C, p.Gly564Arg (NM_001281737.2); c.1648G>C, p.Gly550Arg (NM_001281738.1); short protein forms G550R, G564R, G611R.
Identifiers: ClinVar variation 4067464 (VCV004067464.3).

ClinVar aggregate classification (germline): Likely pathogenic. Review status: criteria provided, multiple submitters, no conflicts (2 of 4 stars). 2 submissions from 2 submitters: Likely pathogenic (2). Last evaluated 2025-10-17.

Conditions:
Glutaric acidemia type 2C.
Multiple acyl-CoA dehydrogenase deficiency (MADD). Also called: Glutaric aciduria, type 2; Glutaric acidemia type II; GA 2; ETHYLMALONIC-ADIPICACIDURIA; GA II; Glutaric Acidemia type 2. Identifiers: Orphanet 26791, MedGen C0268596, MONDO:0009282, OMIM 231680.

Submissions (2):

Women's Health and Genetics/Laboratory Corporation of America, LabCorp
Classification: Likely pathogenic for Multiple acyl-CoA dehydrogenase deficiency. Last evaluated: 2025-10-17. Review status: criteria provided, single submitter. Criteria: LabCorp Variant Classification Summary - May 2015. Collection method: clinical testing. Allele origin: germline.
Comment: Variant summary: ETFDH c.1831G>C (p.Gly611Arg) results in a non-conservative amino acid change in the encoded protein sequence. Algorithms developed to predict the effect of missense changes on protein structure and function all suggest that this variant is likely to be disruptive. The variant was absent in 251380 control chromosomes. To our knowledge, no occurrence of c.1831G>C in individuals affected with ETFDH-related conditions and no experimental evidence demonstrating its impact on protein function have been reported. A different variant resulting in the same amino acid consequence has been classified as likely pathogenic/pathogenic by our lab (c.1831G>A, p.Gly611Arg), supporting the pathogenicity of this variant. ClinVar contains an entry for this variant (Variation ID: 4067464). Based on the evidence outlined above, the variant was classified as likely pathogenic.

Natera, Inc.
Classification: Likely pathogenic for Glutaric acidemia type 2C. Last evaluated: 2025-02-19. Review status: criteria provided, single submitter. Criteria: Natera Variant Classification Schema (03/2026). Collection method: clinical testing. Allele origin: germline.
Comment: The c.1831G>C variant in ETFDH is a missense variant predicted to cause substitution of glycine to arginine at amino acid 611. This variant is rare in the general population with a frequency below the threshold expected for the associated phenotype(s). Another variant at this same site results in an alteration predicted to cause a similar molecular effect has been observed in individual(s) with the associated phenotype. Computational prediction algorithms indicate this variant is likely to affect gene or protein function. Given the available evidence, this variant is classified as Likely Pathogenic.